The following is an entry in ClinVar:

NM_001200.4(BMP2):c.392G>T (p.Arg131Ile)

Gene: BMP2 (bone morphogenetic protein 2; plus strand). Cytogenetic location: 20p12.3.
Variant type: single nucleotide variant.
Coding change: c.392G>T on transcript NM_001200.4 (MANE Select); coding-DNA position 392, G replaced by T.
Protein change: p.Arg131Ile; replaces arginine 131 with isoleucine.
Molecular consequence: missense variant.
Genome position (GRCh38, 1-based): chr20:6,778,290, G>T. VCF-style: chr20-6778290-G-T. GRCh37 (hg19) VCF-style: chr20-6758937-G-T.
Other names: short protein forms R131I.
Identifiers: ClinVar variation 1492914 (VCV001492914.6), dbSNP rs775995068, ClinGen allele CA9758675.

ClinVar aggregate classification (germline): Uncertain significance (1 of 4 stars; one submission).

Allele frequency attached by ClinVar (database versions not stated): gnomAD exomes below 0.00001; ExAC 0.00001; gnomAD 0.00001; TOPMed 0.00001.
gnomAD v4.1: 53 of 1,609,236 alleles (0.0033%); highest among the groups gnomAD compares: Non-Finnish European, 0.0044%; no homozygotes.

Submission:

Labcorp Genetics (formerly Invitae), Labcorp
Classification: Uncertain significance. Last evaluated: 2025-05-08. Review status: criteria provided, single submitter. Criteria: Invitae Variant Classification Sherloc (09022015). Collection method: clinical testing. Allele origin: germline.
Comment: This sequence change replaces arginine, which is basic and polar, with isoleucine, which is neutral and non-polar, at codon 131 of the BMP2 protein (p.Arg131Ile). This variant is present in population databases (rs775995068, gnomAD 0.002%). This variant has not been reported in the literature in individuals affected with BMP2-related conditions. ClinVar contains an entry for this variant (Variation ID: 1492914). An algorithm developed to predict the effect of missense changes on protein structure and function (PolyPhen-2) suggests that this variant is likely to be disruptive. In summary, the available evidence is currently insufficient to determine the role of this variant in disease. Therefore, it has been classified as a Variant of Uncertain Significance.